The following is an entry in ClinVar:

NM_001282225.2(ADA2):c.1134C>A (p.Asn378Lys)

Gene: ADA2 (adenosine deaminase 2; minus strand). Cytogenetic location: 22q11.1.
Variant type: single nucleotide variant.
Coding change: c.1134C>A on transcript NM_001282225.2 (MANE Select); coding-DNA position 1134, C replaced by A.
Protein change: p.Asn378Lys; replaces asparagine 378 with lysine.
Molecular consequence: missense variant.
Genome position (GRCh38, 1-based): chr22:17,182,709, G>T on the plus strand (C>A on the coding strand, the complement: ADA2 is on the minus strand). VCF-style: chr22-17182709-G-T. GRCh37 (hg19) VCF-style: chr22-17663599-G-T.
Other names: c.1134C>A, p.Asn378Lys (NM_001282226.2); c.1008C>A, p.Asn336Lys (NM_001282227.2, NM_001282228.2); c.774C>A, p.Asn258Lys (NM_001282229.2); c.411C>A, p.Asn137Lys (NM_177405.3); short protein forms N137K, N258K, N336K, N378K.
Identifiers: ClinVar variation 838958 (VCV000838958.13), dbSNP rs763728425, ClinGen allele CA410232394.

ClinVar aggregate classification (germline): Uncertain significance (1 of 4 stars; one submission).

Conditions:
Deficiency of adenosine deaminase 2. Also called: Polyarteritis nodosa, childhoood-onset; Adenosine Deaminase 2 Deficiency; VASCULITIS, AUTOINFLAMMATION, IMMUNODEFICIENCY, AND HEMATOLOGIC DEFECTS SYNDROME. Identifiers: Orphanet 404553, MedGen C3887654, MONDO:0014306, OMIM 615688, MONDO:0100317.

Allele frequency attached by ClinVar (database versions not stated): gnomAD exomes below 0.00001.
gnomAD v4.1: 2 of 1,613,958 alleles (0.00012%); highest among the groups gnomAD compares: South Asian, 0.0022%; no homozygotes.

Submission:

Labcorp Genetics (formerly Invitae), Labcorp
Classification: Uncertain significance for Deficiency of adenosine deaminase 2. Last evaluated: 2022-07-23. Review status: criteria provided, single submitter. Criteria: Invitae Variant Classification Sherloc (09022015). Collection method: clinical testing. Allele origin: germline.
Comment: In summary, the available evidence is currently insufficient to determine the role of this variant in disease. Therefore, it has been classified as a Variant of Uncertain Significance. Algorithms developed to predict the effect of missense changes on protein structure and function are either unavailable or do not agree on the potential impact of this missense change (SIFT: "Deleterious"; PolyPhen-2: "Possibly Damaging"; Align-GVGD: "Class C0"). This sequence change replaces asparagine, which is neutral and polar, with lysine, which is basic and polar, at codon 378 of the ADA2 protein (p.Asn378Lys). This variant is not present in population databases (gnomAD no frequency). This variant has not been reported in the literature in individuals affected with ADA2-related conditions. ClinVar contains an entry for this variant (Variation ID: 838958).